The following is an entry in ClinVar:

ClinVar aggregate classification (germline): Pathogenic (1 of 4 stars; one submission).

Conditions:
Renal tubular acidosis, distal, 3, with or without sensorineural hearing loss (DRTA3). Identifiers: MedGen C5399980, MONDO:0011268, OMIM 602722.

gnomAD v4.1: 6 of 1,614,058 alleles (0.00037%); highest among the groups gnomAD compares: East Asian, 0.0045%; no homozygotes.

Submission:

Juno Genomics, Hangzhou Juno Genomics, Inc
Classification: Pathogenic for Renal tubular acidosis, distal, 3, with or without sensorineural hearing loss. Review status: criteria provided, single submitter. Criteria: ACMG Guidelines, 2015. Collection method: clinical testing. Allele origin: germline.
Comment: Absent from controls (or at extremely low frequency if recessive) in Genome Aggregation Database.;Null variant in a gene where loss of function (LOF) is a known mechanism of disease.;For recessive disorders, detected in trans with a pathogenic variant.

NM_020632.3(ATP6V0A4):c.580C>T (p.Arg194Ter)

Gene: ATP6V0A4 (ATPase H+ transporting V0 subunit a4; minus strand). Cytogenetic location: 7q34.
Variant type: single nucleotide variant.
Coding change: c.580C>T on transcript NM_020632.3 (MANE Select); coding-DNA position 580, C replaced by T.
Protein change: p.Arg194Ter; replaces arginine 194 with a stop codon.
Molecular consequence: nonsense.
Genome position (GRCh38, 1-based): chr7:138,759,811, G>A on the plus strand (C>T on the coding strand, the complement: ATP6V0A4 is on the minus strand). VCF-style: chr7-138759811-G-A. GRCh37 (hg19) VCF-style: chr7-138444556-G-A.
Other names: c.580C>T, p.Arg194Ter (NM_130840.3, NM_130841.3); short protein forms R194*.
Identifiers: ClinVar variation 5007162 (VCV005007162.2).